The following is an entry in ClinVar:

NM_000046.5(ARSB):c.247G>T (p.Asp83Tyr)

Genes: ARSB (arylsulfatase B; minus strand), LOC129994126 (ATAC-STARR-seq lymphoblastoid silent region 16127; plus strand). Cytogenetic location: 5q14.1.
Variant type: single nucleotide variant.
Coding change: c.247G>T on transcript NM_000046.5 (MANE Select); coding-DNA position 247, G replaced by T.
Protein change: p.Asp83Tyr; replaces aspartic acid 83 with tyrosine.
Molecular consequence: missense variant.
Genome position (GRCh38, 1-based): chr5:78,985,002, C>A on the plus strand (G>T on the coding strand, the complement: ARSB is on the minus strand). VCF-style: chr5-78985002-C-A. GRCh37 (hg19) VCF-style: chr5-78280825-C-A.
Other names: c.247G>T, p.Asp83Tyr (NM_198709.3); short protein forms D83Y.
Identifiers: ClinVar variation 559749 (VCV000559749.8), dbSNP rs1247117898, ClinGen allele CA360196586.

ClinVar aggregate classification (germline): Conflicting classifications of pathogenicity. Review status: criteria provided, conflicting classifications (1 of 4 stars). 4 submissions from 4 submitters: Likely pathogenic (1); Uncertain significance (3). Last evaluated 2025-10-21.

Conditions:
Mucopolysaccharidosis type 6 (MPS6). Also called: N-ACETYLGALACTOSAMINE-4-SULFATASE DEFICIENCY; MPS VI; MPS 6; Maroteaux Lamy syndrome; ARSB DEFICIENCY; ARYLSULFATASE B DEFICIENCY. Identifiers: Orphanet 583, MedGen C0026709, MONDO:0009661, OMIM 253200.

Allele frequency attached by ClinVar (database versions not stated): gnomAD 0.00001; TOPMed 0.00001.
gnomAD v4.1: 3 of 1,539,254 alleles (0.00019%); highest among the groups gnomAD compares: Non-Finnish European, 0.00017%; no homozygotes.

Submissions (4):

Women's Health and Genetics/Laboratory Corporation of America, LabCorp
Classification: Uncertain significance. Last evaluated: 2025-10-21. Review status: criteria provided, single submitter. Criteria: LabCorp Variant Classification Summary - May 2015. Collection method: clinical testing. Allele origin: germline.
Comment: Variant summary: ARSB c.247G>T (p.Asp83Tyr) results in a non-conservative amino acid change located in the Sulfatase, N-terminal domain (IPR000917) of the encoded protein sequence. Algorithms developed to predict the effect of missense changes on protein structure and function all suggest that this variant is likely to be disruptive. The variant was absent in 176126 control chromosomes. The available data on variant occurrences in the general population are insufficient to allow any conclusion about variant significance. c.247G>T has been observed as a presumed compound heterozygous genotype in at least one individual affected with Mucopolysaccharidosis Type VI (Maroteaux-Lamy Syndrome) (example, Karageorgos_2007, cited in Tomanin_2018). These data do not allow any conclusion about variant significance. To our knowledge, no experimental evidence demonstrating an impact on protein function has been reported. The following publications have been ascertained in the context of this evaluation (PMID: 17458871, 30118150). ClinVar contains an entry for this variant (Variation ID: 559749). Based on the evidence outlined above, the variant was classified as uncertain significance.

Labcorp Genetics (formerly Invitae), Labcorp
Classification: Likely pathogenic for Mucopolysaccharidosis type 6. Last evaluated: 2023-08-21. Review status: criteria provided, single submitter. Criteria: Invitae Variant Classification Sherloc (09022015). Collection method: clinical testing. Allele origin: germline.
Comment: ClinVar contains an entry for this variant (Variation ID: 559749). Advanced modeling of protein sequence and biophysical properties (such as structural, functional, and spatial information, amino acid conservation, physicochemical variation, residue mobility, and thermodynamic stability) performed at Invitae indicates that this missense variant is expected to disrupt ARSB protein function. In summary, the currently available evidence indicates that the variant is pathogenic, but additional data are needed to prove that conclusively. Therefore, this variant has been classified as Likely Pathogenic. This variant is not present in population databases (gnomAD no frequency). This missense change has been observed in individual(s) with mucopolysaccharidosis type VI (PMID: 17458871). This sequence change replaces aspartic acid, which is acidic and polar, with tyrosine, which is neutral and polar, at codon 83 of the ARSB protein (p.Asp83Tyr).

Fulgent Genetics
Classification: Uncertain significance for Mucopolysaccharidosis type 6. Last evaluated: 2021-12-28. Review status: criteria provided, single submitter. Criteria: ACMG Guidelines, 2015. Collection method: clinical testing. Allele origin: unknown.

Laboratory of Diagnosis and Therapy of Lysosomal Disorders, University of Padova
Classification: Uncertain significance for Mucopolysaccharidosis type 6. Last evaluated: 2018-01-01. Review status: criteria provided, single submitter. Criteria: ACMG Guidelines, 2015. Collection method: curation. Allele origin: germline. Affected: yes.
Comment: Absent from GnomAD (PM2)

Literature cited by the submitters: PubMed 17458871 (cited by 3 submitters); PubMed 30118150 (cited by Women's Health and Genetics/Laboratory Corporation of America, LabCorp and Laboratory of Diagnosis and Therapy of Lysosomal Disorders, University of Padova); PubMed 24221504 (cited by Women's Health and Genetics/Laboratory Corporation of America, LabCorp); PubMed 18406185 (cited by Women's Health and Genetics/Laboratory Corporation of America, LabCorp).